The following is an entry in ClinVar:

NM_016507.4(CDK12):c.175G>A (p.Glu59Lys)

Genes: CDK12 (cyclin dependent kinase 12; plus strand), LOC126862553 (CDK7 strongly-dependent group 2 enhancer GRCh37_chr17:37618166-37619365; plus strand). Cytogenetic location: 17q12.
Variant type: single nucleotide variant.
Coding change: c.175G>A on transcript NM_016507.4 (MANE Select); coding-DNA position 175, G replaced by A.
Protein change: p.Glu59Lys; replaces glutamic acid 59 with lysine.
Molecular consequence: missense variant.
Genome position (GRCh38, 1-based): chr17:39,462,246, G>A. VCF-style: chr17-39462246-G-A. GRCh37 (hg19) VCF-style: chr17-37618499-G-A.
Other names: c.175G>A, p.Glu59Lys (NM_015083.4); short protein forms E59K.
Identifiers: ClinVar variation 4844487 (VCV004844487.1).

ClinVar aggregate classification (germline): Uncertain significance (1 of 4 stars; one submission).

Submission:

Ambry Genetics
Classification: Uncertain significance. Last evaluated: 2026-01-24. Review status: criteria provided, single submitter. Criteria: Ambry Variant Classification Scheme 2023. Collection method: clinical testing. Allele origin: germline.
Comment: The p.E59K variant (also known as c.175G>A), located in coding exon 1 of the CDK12 gene, results from a G to A substitution at nucleotide position 175. The glutamic acid at codon 59 is replaced by lysine, an amino acid with similar properties. This amino acid position is conserved. In addition, this alteration is predicted to be tolerated by in silico analysis. Based on the available evidence, the clinical significance of this variant remains unclear.